The following is an entry in ClinVar:

ClinVar aggregate classification (germline): Pathogenic (1 of 4 stars; one submission).

Submission:

CeGaT Center for Human Genetics Tuebingen
Classification: Pathogenic. Last evaluated: 2026-01-01. Review status: criteria provided, single submitter. Criteria: CeGaT Center For Human Genetics Tuebingen Variant Classification Criteria Version 2. Collection method: clinical testing. Allele origin: germline. Affected: yes. Observed: 1 variant allele.
Comment: DOCK8: PVS1, PM2

NM_203447.4(DOCK8):c.947_948insA (p.Arg317fs)

Gene: DOCK8 (dedicator of cytokinesis 8; plus strand). Cytogenetic location: 9p24.3.
Variant type: Insertion.
Coding change: c.947_948insA on transcript NM_203447.4 (MANE Select); coding-DNA positions 947 to 948, A inserted.
Protein change: p.Arg317fs; shifts the reading frame from arginine 317.
Molecular consequence: frameshift variant.
Genome position: GRCh38 VCF-style: chr9-328074-T-TA. GRCh37 (hg19) VCF-style: chr9-328074-T-TA.
Other names: c.743_744insA, p.Arg249fs (NM_001190458.2, NM_001193536.2); short protein forms R249fs, R317fs.
Identifiers: ClinVar variation 4822981 (VCV004822981.4).
Genomic context (GRCh38, chr9:328,074, plus strand): 5'-ATTTACAGATCTCAGAAAATTTTCACTGTGACCTGAACTCTGACCAGTTCAAAGGATTTC[T>TA]GCGAGCTCACACGCCTTCAGTGGCCGCATCAAGTCAGGCGAGATCTGCAGTCTTCTCAGT-3'